The following is an entry in ClinVar:

NM_000292.3(PHKA2):c.883C>T (p.Arg295Cys)

Gene: PHKA2 (phosphorylase kinase regulatory subunit alpha 2; minus strand). Cytogenetic location: Xp22.13.
Variant type: single nucleotide variant.
Coding change: c.883C>T on transcript NM_000292.3 (MANE Select); coding-DNA position 883, C replaced by T.
Protein change: p.Arg295Cys; replaces arginine 295 with cysteine.
Molecular consequence: missense variant.
Genome position (GRCh38, 1-based): chrX:18,940,030, G>A on the plus strand (C>T on the coding strand, the complement: PHKA2 is on the minus strand). VCF-style: chrX-18940030-G-A. GRCh37 (hg19) VCF-style: chrX-18958148-G-A.
Other names: short protein forms R295C.
Identifiers: ClinVar variation 208493 (VCV000208493.11), dbSNP rs797045008, ClinGen allele CA275972.

ClinVar aggregate classification (germline): Pathogenic/Likely pathogenic. Review status: criteria provided, multiple submitters, no conflicts (2 of 4 stars). 4 submissions from 4 submitters: Pathogenic (2); Likely pathogenic (1). 1 of the submissions does not count toward it. Last evaluated 2024-08-22.

Conditions:
PHKA2-related disorder. Also called: PHKA2-related condition.
Glycogen phosphorylase kinase deficiency. Also called: Phosphorylase Kinase Deficiency; Glycogen Storage Disease Type IX. Identifiers: Orphanet 370, MedGen C0268147, MONDO:0700291.
Glycogen storage disease IXa1. Also called: GLYCOGEN STORAGE DISEASE VIII; GSD VIII; Glycogen storage disease 8; LIVER GLYCOGENOSIS, X-LINKED, TYPE I. Identifiers: Orphanet 264580, MedGen C3694531, MONDO:0010598, OMIM 306000.

Submissions (4):

Women's Health and Genetics/Laboratory Corporation of America, LabCorp
Classification: Pathogenic for Glycogen phosphorylase kinase deficiency. Last evaluated: 2024-08-22. Review status: criteria provided, single submitter. Criteria: LabCorp Variant Classification Summary - May 2015. Collection method: clinical testing. Allele origin: germline.
Comment: Variant summary: PHKA2 c.883C>T (p.Arg295Cys) results in a non-conservative amino acid change located in the GH15-like domain (IPR011613) of the encoded protein sequence. Five of five in-silico tools predict a damaging effect of the variant on protein function. The variant was absent in 183372 control chromosomes. c.883C>T has been reported in the literature in multiple hemizygous males affected with Glycogen Phosphorylase Kinase Deficiency (e.g., Ban_2003, Sperb-Ludwig_2019, Liang_2020, Fang_2021). These data indicate that the variant is very likely to be associated with disease. Additionally, other variants at the Arg295 residue have been reported as associated with disease (p.Arg295His), suggesting that this codon is functionally important. The following publications have been ascertained in the context of this evaluation (PMID: 12862311, 33763395, 32772503, 31508908). ClinVar contains an entry for this variant (Variation ID: 208493). Based on the evidence outlined above, the variant was classified as pathogenic.

Labcorp Genetics (formerly Invitae), Labcorp
Classification: Pathogenic for Glycogen storage disease IXa1. Last evaluated: 2023-12-09. Review status: criteria provided, single submitter. Criteria: Invitae Variant Classification Sherloc (09022015). Collection method: clinical testing. Allele origin: germline.
Comment: This sequence change replaces arginine, which is basic and polar, with cysteine, which is neutral and slightly polar, at codon 295 of the PHKA2 protein (p.Arg295Cys). This variant is not present in population databases (gnomAD no frequency). This missense change has been observed in individuals with GSD IXa (PMID: 12862311, 23578772, 31508908; Invitae). ClinVar contains an entry for this variant (Variation ID: 208493). Advanced modeling of protein sequence and biophysical properties (such as structural, functional, and spatial information, amino acid conservation, physicochemical variation, residue mobility, and thermodynamic stability) performed at Invitae indicates that this missense variant is expected to disrupt PHKA2 protein function with a positive predictive value of 80%. This variant disrupts the p.Arg295 amino acid residue in PHKA2. Other variant(s) that disrupt this residue have been determined to be pathogenic (PMID: 10330341, 27103379, 28600779, 28627441). This suggests that this residue is clinically significant, and that variants that disrupt this residue are likely to be disease-causing. For these reasons, this variant has been classified as Pathogenic.

Blueprint Genetics
Classification: Likely pathogenic for PHKA2-related disorders. Last evaluated: 2021-02-17. Review status: criteria provided, single submitter. Criteria: ACMG Guidelines, 2015. Collection method: clinical testing. Allele origin: germline. Affected: yes. Observed: 3 variant alleles.

Mendelics
Classification: Pathogenic for Glycogen storage disease type IXa1. Last evaluated: 2014-03-05. Review status: no assertion criteria provided. Collection method: clinical testing. Allele origin: unknown. Affected: yes. Not counted in ClinVar's aggregate classification.

Literature cited by the submitters: PubMed 31508908 (cited by Women's Health and Genetics/Laboratory Corporation of America, LabCorp and Labcorp Genetics (formerly Invitae), Labcorp); PubMed 33763395 (cited by Women's Health and Genetics/Laboratory Corporation of America, LabCorp); PubMed 32772503 (cited by Women's Health and Genetics/Laboratory Corporation of America, LabCorp); PubMed 12862311 (cited by 3 submitters); PubMed 23578772 (cited by Labcorp Genetics (formerly Invitae), Labcorp); PubMed 10330341 (cited by Labcorp Genetics (formerly Invitae), Labcorp); PubMed 27103379 (cited by Labcorp Genetics (formerly Invitae), Labcorp); PubMed 28600779 (cited by Labcorp Genetics (formerly Invitae), Labcorp); PubMed 28627441 (cited by Labcorp Genetics (formerly Invitae), Labcorp); PubMed 21634085 (cited by Mendelics).